The following is an entry in ClinVar:

NM_031844.3(HNRNPU):c.2168C>G (p.Ala723Gly)

Gene: HNRNPU (heterogeneous nuclear ribonucleoprotein U; minus strand). Cytogenetic location: 1q44.
Variant type: single nucleotide variant.
Coding change: c.2168C>G on transcript NM_031844.3 (MANE Select); coding-DNA position 2168, C replaced by G.
Protein change: p.Ala723Gly; replaces alanine 723 with glycine.
Molecular consequence: missense variant.
Genome position (GRCh38, 1-based): chr1:244,855,608, G>C on the plus strand (C>G on the coding strand, the complement: HNRNPU is on the minus strand). VCF-style: chr1-244855608-G-C. GRCh37 (hg19) VCF-style: chr1-245018910-G-C.
Other names: c.2111C>G, p.Ala704Gly (NM_004501.3); short protein forms A723G, A704G.
Identifiers: ClinVar variation 1447920 (VCV001447920.6), dbSNP rs1680658254, ClinGen allele CA345487325.

ClinVar aggregate classification (germline): Uncertain significance (1 of 4 stars; one submission).

Conditions:
Developmental and epileptic encephalopathy, 54. Also called: Epileptic encephalopathy, early infantile, 54; HNRNPU-Related Neurodevelopmental Disorder. Identifiers: MedGen C4479319, MONDO:0033363, OMIM 617391.

Submission:

Labcorp Genetics (formerly Invitae), Labcorp
Classification: Uncertain significance for Developmental and epileptic encephalopathy, 54. Last evaluated: 2021-10-20. Review status: criteria provided, single submitter. Criteria: Invitae Variant Classification Sherloc (09022015). Collection method: clinical testing. Allele origin: germline.
Comment: In summary, the available evidence is currently insufficient to determine the role of this variant in disease. Therefore, it has been classified as a Variant of Uncertain Significance. Algorithms developed to predict the effect of missense changes on protein structure and function are either unavailable or do not agree on the potential impact of this missense change (SIFT: "Tolerated"; PolyPhen-2: "Not Available"; Align-GVGD: "Class C0"). This variant has not been reported in the literature in individuals affected with HNRNPU-related conditions. This variant is not present in population databases (ExAC no frequency). This sequence change replaces alanine with glycine at codon 723 of the HNRNPU protein (p.Ala723Gly). The alanine residue is moderately conserved and there is a small physicochemical difference between alanine and glycine.